The following is an entry in ClinVar:

NM_000548.5(TSC2):c.5160+8G>A

Gene: TSC2 (TSC complex subunit 2; plus strand). Cytogenetic location: 16p13.3.
Variant type: single nucleotide variant.
Coding change: c.5160+8G>A on transcript NM_000548.5 (MANE Select); 8 bases into the intron after coding-DNA position 5160, G replaced by A.
Molecular consequence: intron variant.
Genome position (GRCh38, 1-based): chr16:2,088,147, G>A. VCF-style: chr16-2088147-G-A. GRCh37 (hg19) VCF-style: chr16-2138148-G-A.
Other names: c.3618+8G>A (NM_001406693.1, NM_001406692.1, NM_001406694.1); c.5052+8G>A (NM_001406667.1); c.5049+8G>A (NM_001406668.1); c.4560+8G>A (NM_001406680.1); c.4491+8G>A (NM_001406683.1, NM_001406682.1); c.4359+8G>A (NM_001406687.1, NM_001406688.1); c.3747+8G>A (NM_001406689.1); c.3687+8G>A (NM_001406690.1); and 26 more.
Identifiers: ClinVar variation 2903773 (VCV002903773.4), dbSNP rs2151624247, ClinGen allele CA2631118332.
Genomic context (GRCh38, chr16:2,088,147, plus strand): 5'-TGTCTGACCGCAACCTGCCCTTCGTGGCCCGCCAGATGGCCCTGCACGCAAATGTGAGTG[G>A]GGGTGGGTCCAGGCGTGAGCTGGTGGGACAGGCCCAGGTGCCACCTGATAGTGAGCTCAC-3'

ClinVar aggregate classification (germline): Likely benign. Review status: criteria provided, multiple submitters, no conflicts (2 of 4 stars). 2 submissions from 2 submitters: Likely benign (2). Last evaluated 2025-06-06.

Conditions:
Tuberous sclerosis 2 (TSC2). Identifiers: Orphanet 805, MedGen C1860707, MONDO:0013199, OMIM 613254.

Allele frequency attached by ClinVar (database versions not stated): gnomAD exomes below 0.00001.
gnomAD v4.1: 1 of 1,613,036 alleles (0.000062%); highest among the groups gnomAD compares: African/African-American, 0.0013%; no homozygotes.

Submissions (2):

Myriad Genetics, Inc.
Classification: Likely benign for Tuberous sclerosis 2. Last evaluated: 2025-06-06. Review status: criteria provided, single submitter. Criteria: Myriad Autosomal Dominant, Autosomal Recessive and X-Linked Classification Criteria (2023). Collection method: clinical testing. Allele origin: unknown.
Comment: This variant is considered likely benign. This variant is intronic and is not expected to impact mRNA splicing.

Labcorp Genetics (formerly Invitae), Labcorp
Classification: Likely benign for Tuberous sclerosis 2. Last evaluated: 2025-04-27. Review status: criteria provided, single submitter. Criteria: Invitae Variant Classification Sherloc (09022015). Collection method: clinical testing. Allele origin: germline.